The following is an entry in ClinVar:

ClinVar aggregate classification (germline): Likely benign. Review status: criteria provided, multiple submitters, no conflicts (2 of 4 stars). 4 submissions from 4 submitters: Likely benign (4). Last evaluated 2026-02-01.

Conditions:
Long QT syndrome (LQTS). Identifiers: MedGen C0023976, MeSH D008133, MONDO:0002442. Disease mechanism: loss of function. Inheritance: Various modes of inheritance.
Cardiac arrhythmia. Also called: Arrhythmia; Cardiac rhythm disease. Identifiers: MedGen C0003811, MONDO:0007263, HP:0011675.
Cardiovascular phenotype. Identifiers: MedGen CN230736.

Allele frequency attached by ClinVar (database versions not stated): gnomAD exomes below 0.00001 and 0.00001; gnomAD 0.00002; TOPMed 0.00002; ESP Exome Variant Server 0.00008.
gnomAD v4.1: 6 of 1,614,074 alleles (0.00037%); highest among the groups gnomAD compares: Non-Finnish European, 0.00051%; no homozygotes.

Submissions (4):

Labcorp Genetics (formerly Invitae), Labcorp
Classification: Likely benign for Long QT syndrome. Last evaluated: 2026-02-01. Review status: criteria provided, single submitter. Criteria: Invitae Variant Classification Sherloc (09022015). Collection method: clinical testing. Allele origin: germline.

All of Us Research Program, National Institutes of Health
Classification: Likely benign for Long QT syndrome. Last evaluated: 2024-07-20. Review status: criteria provided, single submitter. Criteria: ACMG Guidelines, 2015. Collection method: clinical testing. Allele origin: germline. Inheritance: Autosomal dominant inheritance. Observed: 6 variant alleles, 6 heterozygotes.
Comment: This study involves interpretation of variants in research participants for the purpose of population health screening. Participant phenotype was not available at the time of variant classification. Additional details can be found in publication PMID: 35346344, PMCID: PMC8962531

Ambry Genetics
Classification: Likely benign for Cardiovascular phenotype. Last evaluated: 2020-11-10. Review status: criteria provided, single submitter. Criteria: Ambry Variant Classification Scheme 2023. Collection method: clinical testing. Allele origin: germline.

Color Diagnostics, LLC DBA Color Health
Classification: Likely benign for Arrhythmia. Last evaluated: 2020-03-04. Review status: criteria provided, single submitter. Criteria: ACMG Guidelines, 2015. Collection method: clinical testing. Allele origin: germline.

NM_000238.4(KCNH2):c.2475C>T (p.Leu825=)

Gene: KCNH2 (potassium voltage-gated channel subfamily H member 2; minus strand). Cytogenetic location: 7q36.1.
Variant type: single nucleotide variant.
Coding change: c.2475C>T on transcript NM_000238.4 (MANE Select); coding-DNA position 2475, C replaced by T.
Protein change: p.Leu825=; no amino-acid change (leucine 825 retained).
Molecular consequence: synonymous variant.
Genome position (GRCh38, 1-based): chr7:150,948,973, G>A on the plus strand (C>T on the coding strand, the complement: KCNH2 is on the minus strand). VCF-style: chr7-150948973-G-A. GRCh37 (hg19) VCF-style: chr7-150646061-G-A.
Other names: c.1455C>T, p.Leu485= (NM_172057.3).
Identifiers: ClinVar variation 928458 (VCV000928458.16), dbSNP rs149367419, ClinGen allele CA169074818.